The following is an entry in ClinVar:

ClinVar aggregate classification (germline): Uncertain significance. Review status: criteria provided, multiple submitters, no conflicts (2 of 4 stars). 2 submissions from 2 submitters: Uncertain significance (2). Last evaluated 2024-07-10.

Conditions:
Hereditary cancer-predisposing syndrome. Also called: Hereditary Cancer Syndrome; Tumor predisposition; Neoplastic Syndromes, Hereditary; Hereditary neoplastic syndrome. Identifiers: Orphanet 140162, MedGen C0027672, MeSH D009386, MONDO:0015356.
Familial adenomatous polyposis 1 (FAP1). Also called: FAMILIAL ADENOMATOUS POLYPOSIS 1, ATTENUATED; POLYPOSIS, ADENOMATOUS INTESTINAL. Identifiers: MedGen C2713442, MONDO:0021056, OMIM 175100. Disease mechanism: loss of function.

Submissions (2):

Ambry Genetics
Classification: Uncertain significance for Hereditary cancer-predisposing syndrome. Last evaluated: 2024-07-10. Review status: criteria provided, single submitter. Criteria: Ambry Variant Classification Scheme 2023. Collection method: clinical testing. Allele origin: germline.
Comment: The p.A1879D variant (also known as c.5636C>A), located in coding exon 15 of the APC gene, results from a C to A substitution at nucleotide position 5636. The alanine at codon 1879 is replaced by aspartic acid, an amino acid with dissimilar properties. Missense alterations in APC are not a common cause of disease (Spier I et al. Genet Med. 2024 Feb;26(2):100992). This amino acid position is well conserved in available vertebrate species. In addition, in silico predictors for this gene do not accurately predict pathogenicity. Based on the available evidence, the clinical significance of this variant remains unclear.

Labcorp Genetics (formerly Invitae), Labcorp
Classification: Uncertain significance for Familial adenomatous polyposis 1. Last evaluated: 2020-06-25. Review status: criteria provided, single submitter. Criteria: Invitae Variant Classification Sherloc (09022015). Collection method: clinical testing. Allele origin: germline.
Comment: In summary, the available evidence is currently insufficient to determine the role of this variant in disease. Therefore, it has been classified as a Variant of Uncertain Significance. Algorithms developed to predict the effect of missense changes on protein structure and function output the following: SIFT: "Deleterious"; PolyPhen-2: "Benign"; Align-GVGD: "Class C65". The aspartic acid amino acid residue is found in multiple mammalian species, suggesting that this missense change does not adversely affect protein function. These predictions have not been confirmed by published functional studies and their clinical significance is uncertain. This variant has not been reported in the literature in individuals with APC-related conditions. This variant is not present in population databases (ExAC no frequency). This sequence change replaces alanine with aspartic acid at codon 1879 of the APC protein (p.Ala1879Asp). The alanine residue is highly conserved and there is a moderate physicochemical difference between alanine and aspartic acid.

NM_000038.6(APC):c.5636C>A (p.Ala1879Asp)

Gene: APC (APC regulator of Wnt signaling pathway; plus strand). Cytogenetic location: 5q22.2.
Variant type: single nucleotide variant.
Coding change: c.5636C>A on transcript NM_000038.6 (MANE Select); coding-DNA position 5636, C replaced by A.
Protein change: p.Ala1879Asp; replaces alanine 1879 with aspartic acid.
Molecular consequence: missense variant.
Genome position (GRCh38, 1-based): chr5:112,841,230, C>A. VCF-style: chr5-112841230-C-A. GRCh37 (hg19) VCF-style: chr5-112176927-C-A.
Other names: c.5636C>A, p.Ala1879Asp (NM_001127510.3, NM_001354895.2); c.5582C>A, p.Ala1861Asp (NM_001127511.3); c.5690C>A, p.Ala1897Asp (NM_001354896.2); c.5666C>A, p.Ala1889Asp (NM_001354897.2); c.5561C>A, p.Ala1854Asp (NM_001354898.2); c.5552C>A, p.Ala1851Asp (NM_001354899.2); c.5513C>A, p.Ala1838Asp (NM_001354900.2); c.5459C>A, p.Ala1820Asp (NM_001354901.2); and 6 more; short protein forms A1596D, A1719D, A1753D, A1778D, A1788D, A1820D, A1838D, A1851D.
Identifiers: ClinVar variation 1015639 (VCV001015639.11), dbSNP rs1765997580, ClinGen allele CA16033667.